The following is an entry in ClinVar:

ClinVar aggregate classification (germline): Uncertain significance (1 of 4 stars; one submission).

Conditions:
Recessive dystrophic epidermolysis bullosa (RDEB). Also called: Epidermolysis Bullosa Distrophica Autosomal Recessive (RDEB); Recessive DEB (RDEB); DYSTROPHIC EPIDERMOLYSIS BULLOSA, AUTOSOMAL RECESSIVE; EPIDERMOLYSIS BULLOSA DYSTROPHICA, HALLOPEAU-SIEMENS TYPE; severe generalized recessive dystrophic epidermolysis bullosa; epidermolysis bullosa dystrophica, autosomal recessive. Identifiers: Orphanet 79408, Orphanet 79409, MedGen C0079474, MONDO:0009179, OMIM 226600.

Submission:

Myriad Genetics, Inc.
Classification: Uncertain significance for Recessive dystrophic epidermolysis bullosa. Last evaluated: 2026-01-27. Review status: criteria provided, single submitter. Criteria: Myriad Autosomal Dominant, Autosomal Recessive and X-Linked Classification Criteria (2023). Collection method: clinical testing. Allele origin: unknown.
Comment: NM_000094.3(COL7A1):c.2170+2T>G is a variant in a canonical splice site classified as a variant of uncertain significance in the context of dystrophic epidermolysis bullosa. c.2170+2T>G has not been observed in cases with relevant disease. Relevant functional assessments of this variant are not available in the literature. c.2170+2T>G has not been observed in referenced population frequency databases. In summary, there is insufficient evidence to classify NM_000094.3(COL7A1):c.2170+2T>G as pathogenic or benign. Please note: this variant was assessed in the context of healthy population screening.

NM_000094.4(COL7A1):c.2170+2T>G

Gene: COL7A1 (collagen type VII alpha 1 chain; minus strand). Cytogenetic location: 3p21.31.
Variant type: single nucleotide variant.
Coding change: c.2170+2T>G on transcript NM_000094.4 (MANE Select); the canonical splice donor site of the intron after coding-DNA position 2170, T replaced by G.
Molecular consequence: splice donor variant.
Genome position (GRCh38, 1-based): chr3:48,589,597, A>C on the plus strand (T>G on the coding strand, the complement: COL7A1 is on the minus strand). VCF-style: chr3-48589597-A-C. GRCh37 (hg19) VCF-style: chr3-48627030-A-C.
Identifiers: ClinVar variation 5004429 (VCV005004429.1).
Genomic context (GRCh38, chr3:48,589,597, plus strand): 5'-CCCAATAAACCCCCAGCCCCCATTCCACCCTGACCTGCCCCCTCCCAAACCCCAGTCCCC[A>C]CCGTGGGCTGAGTGCCAGGAAACCCTGTATCCTGTGGCGCCAGGAACCCTGGTCCAGGTA-3'